The following is an entry in ClinVar:

ClinVar aggregate classification (germline): Conflicting classifications of pathogenicity. Review status: criteria provided, conflicting classifications (1 of 4 stars). 3 submissions from 3 submitters: Uncertain significance (2); Likely benign (1). Last evaluated 2025-06-30.

Conditions:
KIF22-related disorder. Also called: KIF22-related condition.

Allele frequency attached by ClinVar (database versions not stated): ExAC 0.00005; gnomAD 0.00005; TOPMed 0.00005.

Submissions (3):

Labcorp Genetics (formerly Invitae), Labcorp
Classification: Likely benign. Last evaluated: 2025-06-30. Review status: criteria provided, single submitter. Criteria: Invitae Variant Classification Sherloc (09022015). Collection method: clinical testing. Allele origin: germline.

Ambry Genetics
Classification: Uncertain significance. Last evaluated: 2024-02-28. Review status: criteria provided, single submitter. Criteria: Ambry Variant Classification Scheme 2023. Collection method: clinical testing. Allele origin: germline.

PreventionGenetics, part of Exact Sciences
Classification: Uncertain significance for KIF22-related condition. Last evaluated: 2023-03-08. Review status: criteria provided, single submitter. Criteria: ACMG Guidelines, 2015. Collection method: clinical testing. Allele origin: germline.
Comment: The KIF22 c.1137G>C variant is predicted to result in the amino acid substitution p.Gln379His. To our knowledge, this variant has not been reported in the literature. This variant is reported in 0.13% of alleles in individuals of Ashkenazi Jewish descent in gnomAD. Although we suspect that this variant may be benign, at this time, the clinical significance of this variant is uncertain due to the absence of conclusive functional and genetic evidence.

NM_007317.3(KIF22):c.1137G>C (p.Gln379His)

Gene: KIF22 (kinesin family member 22; plus strand). Cytogenetic location: 16p11.2.
Variant type: single nucleotide variant.
Coding change: c.1137G>C on transcript NM_007317.3 (MANE Select); coding-DNA position 1137, G replaced by C.
Protein change: p.Gln379His; replaces glutamine 379 with histidine.
Molecular consequence: missense variant.
Genome position (GRCh38, 1-based): chr16:29,799,774, G>C. VCF-style: chr16-29799774-G-C. GRCh37 (hg19) VCF-style: chr16-29811095-G-C.
Other names: c.933G>C, p.Gln311His (NM_001256269.2, NM_001256270.1); c.1137G>C (NM_007317.2, NM_007317.1); short protein forms Q311H, Q379H.
Identifiers: ClinVar variation 2192548 (VCV002192548.6), dbSNP rs776568168, ClinGen allele CA7993173.
Genomic context (GRCh38, chr16:29,799,774, plus strand): 5'-CAACTTTGCTGCCAGGTCCAAGGAGGTGATCAATCGGCCTTTTACCAATGAGAGCCTGCA[G>C]CCTCATGGTGAGAACTGGGGGAGGCAGGAGTGGAAACGCTGGGTCTGGAAATTAGGGAGT-3'
Protein context (NP_015556.1, residues 369-389): INRPFTNESL[Gln379His]PHALGPVKLS